The following is an entry in ClinVar:

ClinVar aggregate classification (germline): Conflicting classifications of pathogenicity. Review status: criteria provided, conflicting classifications (1 of 4 stars). 3 submissions from 3 submitters: Uncertain significance (2); Likely benign (1). Last evaluated 2025-06-12.

Conditions:
Inborn genetic diseases. Identifiers: MedGen C0950123, MeSH D030342.

Allele frequency attached by ClinVar (database versions not stated): gnomAD exomes 0.00001; ExAC 0.00002; gnomAD 0.00002; ESP Exome Variant Server 0.00008; 1000 Genomes Project 30x 0.00016; 1000 Genomes Project 0.00020.
gnomAD v4.1: 21 of 1,603,770 alleles (0.0013%); highest among the groups gnomAD compares: East Asian, 0.011%; no homozygotes.

Submissions (3):

Labcorp Genetics (formerly Invitae), Labcorp
Classification: Uncertain significance. Last evaluated: 2025-06-12. Review status: criteria provided, single submitter. Criteria: Invitae Variant Classification Sherloc (09022015). Collection method: clinical testing. Allele origin: germline.
Comment: This sequence change replaces proline, which is neutral and non-polar, with leucine, which is neutral and non-polar, at codon 47 of the PODXL protein (p.Pro47Leu). This variant is present in population databases (rs375173959, gnomAD 0.02%). This variant has not been reported in the literature in individuals affected with PODXL-related conditions. ClinVar contains an entry for this variant (Variation ID: 1983709). An algorithm developed to predict the effect of missense changes on protein structure and function outputs the following: PolyPhen-2: "Benign". The leucine amino acid residue is found in multiple mammalian species, which suggests that this missense change does not adversely affect protein function. In summary, the available evidence is currently insufficient to determine the role of this variant in disease. Therefore, it has been classified as a Variant of Uncertain Significance.

Mayo Clinic Laboratories, Mayo Clinic
Classification: Uncertain significance. Last evaluated: 2024-08-13. Review status: criteria provided, single submitter. Criteria: ACMG Guidelines, 2015. Collection method: clinical testing. Allele origin: germline. Observed: 1 variant allele.
Comment: BP4

Ambry Genetics
Classification: Likely benign for Inborn genetic diseases. Last evaluated: 2023-12-11. Review status: criteria provided, single submitter. Criteria: Ambry Variant Classification Scheme 2023. Collection method: clinical testing. Allele origin: germline.

NM_001018111.3(PODXL):c.140C>T (p.Pro47Leu)

Gene: PODXL (podocalyxin like; minus strand). Cytogenetic location: 7q32.3.
Variant type: single nucleotide variant.
Coding change: c.140C>T on transcript NM_001018111.3 (MANE Select); coding-DNA position 140, C replaced by T.
Protein change: p.Pro47Leu; replaces proline 47 with leucine.
Molecular consequence: missense variant.
Genome position (GRCh38, 1-based): chr7:131,511,394, G>A on the plus strand (C>T on the coding strand, the complement: PODXL is on the minus strand). VCF-style: chr7-131511394-G-A. GRCh37 (hg19) VCF-style: chr7-131196153-G-A.
Other names: p.Pro47Leu; c.140C>T, p.Pro47Leu (NM_005397.4); c.140C>T (NM_001018111.2); short protein forms P47L.
Identifiers: ClinVar variation 1983709 (VCV001983709.6), dbSNP rs375173959, ClinGen allele CA4488760.